The following is an entry in ClinVar:

NM_015272.5(RPGRIP1L):c.3221-7dup

Gene: RPGRIP1L (RPGRIP1 like; minus strand). Cytogenetic location: 16q12.2.
Variant type: Duplication.
Coding change: c.3221-7dup on transcript NM_015272.5 (MANE Select); 7 bases into the intron before coding-DNA position 3221, one base duplicated (T; older notation c.3221-7dupT).
Molecular consequence: intron variant.
Genome position (GRCh38, 1-based): chr16:53,636,519, A duplicated on the plus strand (T on the coding strand, the reverse complement: RPGRIP1L is on the minus strand); the first of 6 consecutive A bases (chr16:53,636,519-53,636,524); duplicating any one gives the same sequence. VCF-style (leftmost placement, unchanged base first): chr16-53636518-T-TA. GRCh37 (hg19) VCF-style: chr16-53670430-T-TA.
Other names: c.3221-7dupT (NM_015272.4); c.3119-7dup (NM_001127897.4, NM_001330538.2); c.3221-7dup (NM_001308334.3).
Identifiers: ClinVar variation 2933210 (VCV002933210.4), dbSNP rs1381358473, ClinGen allele CA977433022.

ClinVar aggregate classification (germline): Benign. Review status: criteria provided, single submitter (1 of 4 stars). 2 submissions from 2 submitters: Benign (1). 1 of the submissions does not count toward it. Last evaluated 2023-02-26.

Conditions:
RPGRIP1L-related disorder. Also called: RPGRIP1L-related disorders; RPGRIP1L-related condition. Identifiers: MedGen CN239416.
Meckel-Gruber syndrome. Also called: DYSENCEPHALIA SPLANCHNOCYSTICA; GRUBER SYNDROME; Dysencephalia splachnocystica. Identifiers: Orphanet 564, MedGen C0265215, MONDO:0018921.
Joubert syndrome. Also called: JOUBERT-BOLTSHAUSER SYNDROME; Familial aplasia of the vermis. Identifiers: Orphanet 475, MedGen C5979921, MONDO:0018772.

Submissions (2):

Labcorp Genetics (formerly Invitae), Labcorp
Classification: Benign for Joubert syndrome; Meckel-Gruber syndrome. Last evaluated: 2023-02-26. Review status: criteria provided, single submitter. Criteria: Invitae Variant Classification Sherloc (09022015). Collection method: clinical testing. Allele origin: germline.

PreventionGenetics, part of Exact Sciences
Classification: Likely benign for RPGRIP1L-related condition. Last evaluated: 2021-11-10. Review status: no assertion criteria provided. Collection method: clinical testing. Allele origin: germline. Not counted in ClinVar's aggregate classification.
Comment: This variant is classified as likely benign based on ACMG/AMP sequence variant interpretation guidelines (Richards et al. 2015 PMID: 25741868, with internal and published modifications).